The following is an entry in ClinVar:

ClinVar aggregate classification (germline): Pathogenic. Review status: criteria provided, multiple submitters, no conflicts (2 of 4 stars). 2 submissions from 2 submitters: Pathogenic (2). Last evaluated 2024-08-20.

Conditions:
Hereditary cancer-predisposing syndrome. Also called: Neoplastic Syndromes, Hereditary; Tumor predisposition; Hereditary Cancer Syndrome; Hereditary neoplastic syndrome. Identifiers: Orphanet 140162, MedGen C0027672, MeSH D009386, MONDO:0015356.

Submissions (2):

Ambry Genetics
Classification: Pathogenic for Hereditary cancer-predisposing syndrome. Last evaluated: 2024-08-20. Review status: criteria provided, single submitter. Criteria: Ambry Variant Classification Scheme 2023. Collection method: clinical testing. Allele origin: germline.
Comment: The c.2808dupA pathogenic mutation, located in coding exon 10 of the BRCA2 gene, results from a duplication of A at nucleotide position 2808, causing a translational frameshift with a predicted alternate stop codon (p.Q937Tfs*8). This variant is considered to be rare based on population cohorts in the Genome Aggregation Database (gnomAD). This alteration is expected to result in loss of function by premature protein truncation or nonsense-mediated mRNA decay. As such, this alteration is interpreted as a disease-causing mutation.

Color Diagnostics, LLC DBA Color Health
Classification: Pathogenic for Hereditary cancer-predisposing syndrome. Last evaluated: 2022-06-13. Review status: criteria provided, single submitter. Criteria: ACMG Guidelines, 2015. Collection method: clinical testing. Allele origin: germline.
Comment: This variant inserts 1 nucleotide in exon 11 of the BRCA2 gene, creating a frameshift and premature translation stop signal. This variant is expected to result in an absent or non-functional protein product. To our knowledge, this variant has not been reported in individuals affected with hereditary cancer in the literature. This variant has not been identified in the general population by the Genome Aggregation Database (gnomAD). Loss of BRCA2 function is a known mechanism of disease. Based on the available evidence, this variant is classified as Pathogenic.

NM_000059.4(BRCA2):c.2808dup (p.Gln937fs)

Gene: BRCA2 (BRCA2 DNA repair associated; plus strand). Cytogenetic location: 13q13.1.
Variant type: Duplication.
Coding change: c.2808dup on transcript NM_000059.4 (MANE Select); coding-DNA position 2808, one base duplicated (A; older notation c.2808dupA).
Protein change: p.Gln937fs; shifts the reading frame from glutamine 937.
Molecular consequence: frameshift variant. On other transcripts: non-coding transcript variant (1), intron variant (2).
Genome position (GRCh38, 1-based): chr13:32,337,163, A duplicated; the last of 3 consecutive A bases (chr13:32,337,161-32,337,163); duplicating any one gives the same sequence. VCF-style (leftmost placement, unchanged base first): chr13-32337160-T-TA. GRCh37 (hg19) VCF-style: chr13-32911297-T-TA.
Other names: c.2808dup, p.Gln937fs (NM_001406719.1, NM_001406720.1); c.1909+3776dup (NM_001406721.1); c.424+6133dup (NM_001406722.1); c.2808dupA (NM_000059.3); short protein forms Q937fs.
Identifiers: ClinVar variation 2774892 (VCV002774892.3), dbSNP rs398122753, ClinGen allele CA2697551732.